The following is an entry in ClinVar:

ClinVar aggregate classification (germline): Uncertain significance (1 of 4 stars; one submission).

Conditions:
Baller-Gerold syndrome (BGS). Also called: CRANIOSYNOSTOSIS WITH RADIAL DEFECTS. Identifiers: Orphanet 1225, MedGen C0265308, MONDO:0009039, OMIM 218600.

Submission:

Labcorp Genetics (formerly Invitae), Labcorp
Classification: Uncertain significance for Baller-Gerold syndrome. Last evaluated: 2022-01-18. Review status: criteria provided, single submitter. Criteria: Invitae Variant Classification Sherloc (09022015). Collection method: clinical testing. Allele origin: germline.
Comment: Experimental studies and prediction algorithms are not available or were not evaluated, and the functional significance of this variant is currently unknown. In summary, the available evidence is currently insufficient to determine the role of this variant in disease. Therefore, it has been classified as a Variant of Uncertain Significance. This variant has not been reported in the literature in individuals affected with RECQL4-related conditions. This variant is not present in population databases (gnomAD no frequency). This sequence change replaces glutamine, which is neutral and polar, with lysine, which is basic and polar, at codon 277 of the RECQL4 protein (p.Gln277Lys).

NM_004260.4(RECQL4):c.829C>A (p.Gln277Lys)

Gene: RECQL4 (RecQ like helicase 4; minus strand). Cytogenetic location: 8q24.3.
Variant type: single nucleotide variant.
Coding change: c.829C>A on transcript NM_004260.4 (MANE Select); coding-DNA position 829, C replaced by A.
Protein change: p.Gln277Lys; replaces glutamine 277 with lysine.
Molecular consequence: missense variant.
Genome position (GRCh38, 1-based): chr8:144,516,290, G>T on the plus strand (C>A on the coding strand, the complement: RECQL4 is on the minus strand). VCF-style: chr8-144516290-G-T. GRCh37 (hg19) VCF-style: chr8-145741674-G-T.
Other names: c.829C>A, p.Gln277Lys (NM_001413017.1, NM_001413018.1, NM_001413019.1 and 4 more transcripts); c.-243C>A (NM_001413021.1, NM_001413022.1, NM_001413023.1 and 7 more transcripts); c.700C>A, p.Gln234Lys (NM_001413025.1); c.-305C>A (NM_001413027.1, NM_001413030.1, NM_001413031.1 and 2 more transcripts); c.478C>A, p.Gln160Lys (NM_001413029.1); c.-147C>A (NM_001413034.1); c.-512C>A (NM_001413043.1); short protein forms Q234K, Q277K, Q160K.
Identifiers: ClinVar variation 2087472 (VCV002087472.4), dbSNP rs2130721621, ClinGen allele CA372689050.